The following is an entry in ClinVar:

NM_006218.4(PIK3CA):c.1273G>A (p.Gly425Arg)

Gene: PIK3CA (phosphatidylinositol-4,5-bisphosphate 3-kinase catalytic subunit alpha; plus strand). Cytogenetic location: 3q26.32.
Variant type: single nucleotide variant.
Coding change: c.1273G>A on transcript NM_006218.4 (MANE Select); coding-DNA position 1273, G replaced by A.
Protein change: p.Gly425Arg; replaces glycine 425 with arginine.
Molecular consequence: missense variant.
Genome position (GRCh38, 1-based): chr3:179,210,207, G>A. VCF-style: chr3-179210207-G-A. GRCh37 (hg19) VCF-style: chr3-178927995-G-A.
Other names: short protein forms G425R.
Identifiers: ClinVar variation 3418524 (VCV003418524.1).

ClinVar aggregate classification (germline): Uncertain significance (1 of 4 stars; one submission).

Conditions:
Inborn genetic diseases. Identifiers: MedGen C0950123, MeSH D030342.

gnomAD v4.1: 2 of 1,587,472 alleles (0.00013%); highest among the groups gnomAD compares: South Asian, 0.0024%; no homozygotes.

Submission:

Ambry Genetics
Classification: Uncertain significance for Inborn genetic diseases. Last evaluated: 2024-08-27. Review status: criteria provided, single submitter. Criteria: Ambry Variant Classification Scheme 2023. Collection method: clinical testing. Allele origin: germline.
Comment: The p.G425R variant (also known as c.1273G>A), located in coding exon 7 of the PIK3CA gene, results from a G to A substitution at nucleotide position 1273. The glycine at codon 425 is replaced by arginine, an amino acid with dissimilar properties. This amino acid position is conserved. In addition, this alteration is predicted to be deleterious by in silico analysis. Based on the available evidence, the clinical significance of this variant remains unclear.